The following is an entry in ClinVar:

NM_000444.6(PHEX):c.755T>C (p.Phe252Ser)

Gene: PHEX (phosphate regulating endopeptidase X-linked; plus strand). Cytogenetic location: Xp22.11.
Variant type: single nucleotide variant.
Coding change: c.755T>C on transcript NM_000444.6 (MANE Select); coding-DNA position 755, T replaced by C.
Protein change: p.Phe252Ser; replaces phenylalanine 252 with serine.
Molecular consequence: missense variant.
Genome position (GRCh38, 1-based): chrX:22,094,005, T>C. VCF-style: chrX-22094005-T-C. GRCh37 (hg19) VCF-style: chrX-22112123-T-C.
Other names: F249S; c.755T>C, p.Phe252Ser (NM_001282754.2); short protein forms F252S.
Identifiers: ClinVar variation 242795 (VCV000242795.9), dbSNP rs267606945, ClinGen allele CA353714.

ClinVar aggregate classification (germline): Pathogenic (1 of 4 stars; one submission).

Submission:

Labcorp Genetics (formerly Invitae), Labcorp
Classification: Pathogenic. Last evaluated: 2024-01-16. Review status: criteria provided, single submitter. Criteria: Invitae Variant Classification Sherloc (09022015). Collection method: clinical testing. Allele origin: germline.
Comment: This sequence change replaces phenylalanine, which is neutral and non-polar, with serine, which is neutral and polar, at codon 252 of the PHEX protein (p.Phe252Ser). This variant is not present in population databases (gnomAD no frequency). This missense change has been observed in individuals with X-linked hypophosphatemic rickets (PMID: 11502829; Invitae). It has also been observed to segregate with disease in related individuals. ClinVar contains an entry for this variant (Variation ID: 242795). Advanced modeling of protein sequence and biophysical properties (such as structural, functional, and spatial information, amino acid conservation, physicochemical variation, residue mobility, and thermodynamic stability) performed at Invitae indicates that this missense variant is expected to disrupt PHEX protein function with a positive predictive value of 95%. For these reasons, this variant has been classified as Pathogenic.

Literature cited by the submitters: PubMed 11502829.